The following is an entry in ClinVar:

ClinVar aggregate classification (germline): Uncertain significance (1 of 4 stars; one submission).

Conditions:
MHC class II deficiency. Also called: BLS, TYPE II; Bare lymphocyte syndrome 2. Identifiers: Orphanet 572, MedGen C5447452, MONDO:0008855.

gnomAD v4.1: 4 of 1,613,180 alleles (0.00025%); highest among the groups gnomAD compares: Middle Eastern, 0.016%; no homozygotes.

Submission:

Labcorp Genetics (formerly Invitae), Labcorp
Classification: Uncertain significance for MHC class II deficiency. Last evaluated: 2023-12-15. Review status: criteria provided, single submitter. Criteria: Invitae Variant Classification Sherloc (09022015). Collection method: clinical testing. Allele origin: germline.
Comment: This sequence change replaces arginine, which is basic and polar, with serine, which is neutral and polar, at codon 647 of the CIITA protein (p.Arg647Ser). The frequency data for this variant in the population databases is considered unreliable, as metrics indicate poor data quality at this position in the gnomAD database. This variant has not been reported in the literature in individuals affected with CIITA-related conditions. ClinVar contains an entry for this variant (Variation ID: 1397918). Algorithms developed to predict the effect of missense changes on protein structure and function output the following: SIFT: "Not Available"; PolyPhen-2: "Benign"; Align-GVGD: "Not Available". The serine amino acid residue is found in multiple mammalian species, which suggests that this missense change does not adversely affect protein function. In summary, the available evidence is currently insufficient to determine the role of this variant in disease. Therefore, it has been classified as a Variant of Uncertain Significance.

NM_000246.4(CIITA):c.1939C>A (p.Arg647Ser)

Gene: CIITA (class II major histocompatibility complex transactivator; plus strand). Cytogenetic location: 16p13.13.
Variant type: single nucleotide variant.
Coding change: c.1939C>A on transcript NM_000246.4 (MANE Select); coding-DNA position 1939, C replaced by A.
Protein change: p.Arg647Ser; replaces arginine 647 with serine.
Molecular consequence: missense variant. On other transcripts: intron variant (1).
Genome position (GRCh38, 1-based): chr16:10,907,431, C>A. VCF-style: chr16-10907431-C-A. GRCh37 (hg19) VCF-style: chr16-11001288-C-A.
Other names: c.1942C>A, p.Arg648Ser (NM_001286402.1, NM_001379332.1); c.1795C>A, p.Arg599Ser (NM_001379330.1); c.1792C>A, p.Arg598Ser (NM_001379331.1); c.1939C>A, p.Arg647Ser (NM_001379333.1); c.1870C>A, p.Arg624Ser (NM_001379334.1); c.860-1552C>A (NM_001286403.2); short protein forms R647S, R648S, R624S, R598S, R599S.
Identifiers: ClinVar variation 1397918 (VCV001397918.8), dbSNP rs372705496, ClinGen allele CA394732070.